The following is an entry in ClinVar:

NM_033026.6(PCLO):c.14167G>C (p.Asp4723His)

Gene: PCLO (piccolo presynaptic cytomatrix protein; minus strand). Cytogenetic location: 7q21.11.
Variant type: single nucleotide variant.
Coding change: c.14167G>C on transcript NM_033026.6 (MANE Select); coding-DNA position 14167, G replaced by C.
Protein change: p.Asp4723His; replaces aspartic acid 4723 with histidine.
Molecular consequence: missense variant.
Genome position (GRCh38, 1-based): chr7:82,838,273, C>G on the plus strand (G>C on the coding strand, the complement: PCLO is on the minus strand). VCF-style: chr7-82838273-C-G. GRCh37 (hg19) VCF-style: chr7-82467589-C-G.
Other names: c.14167G>C, p.Asp4723His (NM_014510.3); short protein forms D4723H.
Identifiers: ClinVar variation 1440427 (VCV001440427.5), dbSNP rs1378054082, ClinGen allele CA367878357.

ClinVar aggregate classification (germline): Uncertain significance (1 of 4 stars; one submission).

Allele frequency attached by ClinVar (database versions not stated): TOPMed below 0.00001; gnomAD 0.00001.
gnomAD v4.1: 1 of 1,586,220 alleles (0.000063%); highest among the groups gnomAD compares: Non-Finnish European, 0.000086%; no homozygotes.

Submission:

Labcorp Genetics (formerly Invitae), Labcorp
Classification: Uncertain significance. Last evaluated: 2021-09-01. Review status: criteria provided, single submitter. Criteria: Invitae Variant Classification Sherloc (09022015). Collection method: clinical testing. Allele origin: germline.
Comment: This sequence change replaces aspartic acid with histidine at codon 4723 of the PCLO protein (p.Asp4723His). The aspartic acid residue is moderately conserved and there is a moderate physicochemical difference between aspartic acid and histidine. This variant is not present in population databases (ExAC no frequency). This variant has not been reported in the literature in individuals affected with PCLO-related conditions. Algorithms developed to predict the effect of missense changes on protein structure and function are either unavailable or do not agree on the potential impact of this missense change (SIFT: "Deleterious"; PolyPhen-2: "Not Available"; Align-GVGD: "Class C0"). In summary, the available evidence is currently insufficient to determine the role of this variant in disease. Therefore, it has been classified as a Variant of Uncertain Significance.